The following is an entry in ClinVar:

NM_000384.3(APOB):c.12784_12787del (p.Lys4261_Leu4262insTer)

Gene: APOB (apolipoprotein B; minus strand). Cytogenetic location: 2p24.1.
Variant type: Deletion.
Coding change: c.12784_12787del on transcript NM_000384.3 (MANE Select); coding-DNA positions 12784 to 12787, 4 bases deleted (CTAA; older notation c.12784_12787delCTAA).
Protein change: p.Lys4261_Leu4262insTer.
Molecular consequence: nonsense.
Genome position (GRCh38, 1-based): chr2:21,002,635-21,002,638, TTAG deleted on the plus strand (CTAA on the coding strand, the reverse complement: APOB is on the minus strand); deleting any 4 consecutive bases within chr2:21,002,635-21,002,640 gives the same sequence; the c. name uses the placement nearest the transcript's 3' end. VCF-style (leftmost placement, unchanged base first): chr2-21002634-ATTAG-A. GRCh37 (hg19) VCF-style: chr2-21225506-ATTAG-A.
Identifiers: ClinVar variation 3359085 (VCV003359085.2).
Genomic context (GRCh38, chr2:21,002,634, plus strand): 5'-ACCTCTTGGGCTTCTTTTGATAAATCTTTCAACAGTTCCCTATACATCGAGATTACATCT[ATTAG>A]TTTATGTTTCCTTAACTCGAAAGGAAGTGTAATCACTAGGTCTTGGAAATAGGAAAACAG-3'

ClinVar aggregate classification (germline): Pathogenic (1 of 4 stars; one submission).

Conditions:
Hypercholesterolemia, autosomal dominant, type B (FHCL2). Also called: Familial Hypercholesterolemia Type B; APOLIPOPROTEIN B-100, FAMILIAL DEFECTIVE; APOLIPOPROTEIN B-100, FAMILIAL LIGAND-DEFECTIVE; Hyperlipoproteinemia Type IIb; APOB-Related Familial Hypercholesterolemia, Autosomal Dominant; HYPERCHOLESTEROLEMIA, FAMILIAL, DUE TO LIGAND-DEFECTIVE APOLIPOPROTEIN B. Identifiers: MedGen C1704417, MONDO:0007751, OMIM 144010.

Submission:

Institute of Human Genetics, University of Leipzig Medical Center
Classification: Pathogenic for Hypercholesterolemia, autosomal dominant, type B. Last evaluated: 2024-07-30. Review status: criteria provided, single submitter. Criteria: ACMG Guidelines, 2015. Collection method: clinical testing. Allele origin: unknown. Inheritance: Autosomal dominant inheritance. Affected: yes.
Comment: Criteria applied: PVS1,PM2